The following is an entry in ClinVar:

NM_002439.5(MSH3):c.705A>G (p.Gln235=)

Gene: MSH3 (mutS homolog 3; plus strand). Cytogenetic location: 5q14.1.
Variant type: single nucleotide variant.
Coding change: c.705A>G on transcript NM_002439.5 (MANE Select); coding-DNA position 705, A replaced by G.
Protein change: p.Gln235=; no amino-acid change (glutamine 235 retained).
Molecular consequence: synonymous variant.
Genome position (GRCh38, 1-based): chr5:80,670,222, A>G. VCF-style: chr5-80670222-A-G. GRCh37 (hg19) VCF-style: chr5-79966041-A-G.
Other names: c.705A>G (NM_002439.3).
Identifiers: ClinVar variation 3668229 (VCV003668229.10).

ClinVar aggregate classification (germline): Likely benign. Review status: criteria provided, multiple submitters, no conflicts (2 of 4 stars). 3 submissions from 3 submitters: Likely benign (3). Last evaluated 2025-11-12.

Conditions:
Hereditary cancer-predisposing syndrome. Also called: Hereditary Cancer Syndrome; Hereditary neoplastic syndrome; Neoplastic Syndromes, Hereditary; Tumor predisposition. Identifiers: Orphanet 140162, MedGen C0027672, MeSH D009386, MONDO:0015356.

Submissions (3):

Ambry Genetics
Classification: Likely benign for Hereditary cancer-predisposing syndrome. Last evaluated: 2025-11-12. Review status: criteria provided, single submitter. Criteria: Ambry Variant Classification Scheme 2023. Collection method: clinical testing. Allele origin: germline.

CeGaT Center for Human Genetics Tuebingen
Classification: Likely benign. Last evaluated: 2025-06-01. Review status: criteria provided, single submitter. Criteria: CeGaT Center For Human Genetics Tuebingen Variant Classification Criteria Version 2. Collection method: clinical testing. Allele origin: germline. Affected: yes. Observed: 1 variant allele.
Comment: MSH3: PM2:Supporting, BP4, BP7

Labcorp Genetics (formerly Invitae), Labcorp
Classification: Likely benign. Last evaluated: 2024-09-25. Review status: criteria provided, single submitter. Criteria: Invitae Variant Classification Sherloc (09022015). Collection method: clinical testing. Allele origin: germline.